The following is an entry in ClinVar:

ClinVar aggregate classification (germline): Uncertain significance (1 of 4 stars; one submission).

Conditions:
Neurofibromatosis, type 1 (NF1). Also called: NEUROFIBROMATOSIS, TYPE I, SOMATIC; Neurofibromatosis, type I; VON RECKLINGHAUSEN DISEASE; Peripheral type neurofibromatosis. Identifiers: Orphanet 636, MedGen C0027831, MONDO:0018975, OMIM 162200. Disease mechanism: loss of function.

Submission:

Labcorp Genetics (formerly Invitae), Labcorp
Classification: Uncertain significance for Neurofibromatosis, type 1. Last evaluated: 2025-10-27. Review status: criteria provided, single submitter. Criteria: Invitae Variant Classification Sherloc (09022015). Collection method: clinical testing. Allele origin: germline.
Comment: This sequence change replaces isoleucine, which is neutral and non-polar, with valine, which is neutral and non-polar, at codon 1405 of the NF1 protein (p.Ile1405Val). This variant is not present in population databases (gnomAD no frequency). This variant has not been reported in the literature in individuals affected with NF1-related conditions. ClinVar contains an entry for this variant (Variation ID: 3706402). Invitae Evidence Modeling of protein sequence and biophysical properties (such as structural, functional, and spatial information, amino acid conservation, physicochemical variation, residue mobility, and thermodynamic stability) has been performed for this missense variant. However, the output from this modeling did not meet the statistical confidence thresholds required to predict the impact of this variant on NF1 protein function. In summary, the available evidence is currently insufficient to determine the role of this variant in disease. Therefore, it has been classified as a Variant of Uncertain Significance.

NM_001042492.3(NF1):c.4276A>G (p.Ile1426Val)

Gene: NF1 (neurofibromin 1; plus strand). Cytogenetic location: 17q11.2.
Variant type: single nucleotide variant.
Coding change: c.4276A>G on transcript NM_001042492.3 (MANE Select); coding-DNA position 4276, A replaced by G.
Protein change: p.Ile1426Val; replaces isoleucine 1426 with valine.
Molecular consequence: missense variant.
Genome position (GRCh38, 1-based): chr17:31,258,446, A>G. VCF-style: chr17-31258446-A-G. GRCh37 (hg19) VCF-style: chr17-29585464-A-G.
Other names: c.4213A>G, p.Ile1405Val (NM_000267.4); short protein forms I1426V, I1405V.
Identifiers: ClinVar variation 3706402 (VCV003706402.2).